The following is an entry in ClinVar:

NM_020937.4(FANCM):c.5107C>G (p.His1703Asp)

Gene: FANCM (FA complementation group M; plus strand). Cytogenetic location: 14q21.2.
Variant type: single nucleotide variant.
Coding change: c.5107C>G on transcript NM_020937.4 (MANE Select); coding-DNA position 5107, C replaced by G.
Protein change: p.His1703Asp; replaces histidine 1703 with aspartic acid.
Molecular consequence: missense variant.
Genome position (GRCh38, 1-based): chr14:45,189,129, C>G. VCF-style: chr14-45189129-C-G. GRCh37 (hg19) VCF-style: chr14-45658332-C-G.
Other names: c.5029C>G, p.His1677Asp (NM_001308133.2); c.5107C>G (NM_020937.3); short protein forms H1677D, H1703D.
Identifiers: ClinVar variation 837194 (VCV000837194.21), dbSNP rs367653310, ClinGen allele CA7169908.
Genomic context (GRCh38, chr14:45,189,129, plus strand): 5'-AAAAGAGAATCTAATATTGCGGTTAACCCAAGCACTGTTAAGAAGAACAAACAACAGGAC[C>G]ATTGTTTAAATTCAGTGCCTTCTGGATCTTCTGCGCAGTCCAAGGTGCGTTCTACTCCAA-3'
Protein context (NP_065988.1, residues 1693-1713): STVKKNKQQD[His1703Asp]CLNSVPSGSS

ClinVar aggregate classification (germline): Uncertain significance. Review status: criteria provided, multiple submitters, no conflicts (2 of 4 stars). 7 submissions from 7 submitters: Uncertain significance (7). Last evaluated 2026-04-21.

Conditions:
Premature ovarian failure 15. Identifiers: MedGen C4748170, MONDO:0054862, OMIM 618096.
Spermatogenic failure 28. Identifiers: MedGen C4748117, MONDO:0054732, OMIM 618086.
Fanconi anemia (FA). Also called: Fanconi's anemia. Identifiers: Orphanet 84, MedGen C0015625, MeSH D005199, MONDO:0019391.
FANCM-related disorder. Also called: FANCM-related condition.
Hereditary cancer-predisposing syndrome. Also called: Neoplastic Syndromes, Hereditary; Hereditary Cancer Syndrome; Tumor predisposition; Hereditary neoplastic syndrome. Identifiers: Orphanet 140162, MedGen C0027672, MeSH D009386, MONDO:0015356.

Allele frequency attached by ClinVar (database versions not stated): TOPMed 0.00005.
gnomAD v4.1: 165 of 1,613,768 alleles (0.01%); highest among the groups gnomAD compares: Non-Finnish European, 0.014%; no homozygotes.

Submissions (7):

PreventionGenetics, part of Exact Sciences
Classification: Uncertain significance for FANCM-related condition. Last evaluated: 2026-04-21. Review status: criteria provided, single submitter. Criteria: ACMG Guidelines, 2015. Collection method: clinical testing. Allele origin: germline.
Comment: The FANCM c.5107C>G variant is predicted to result in the amino acid substitution p.His1703Asp. This variant has been reported in individuals with breast, ovarian, and stomach cancer (Supplementary Table S2, Figlioli et al. 2023. PubMed ID: 36707629; Supplementary Table 7, Dicks et al. 2017. PubMed ID: 28881617; Supplementary Data 12, Lu et al. 2015. PubMed ID: 26689913). This variant is reported in 0.0047% of alleles in individuals of European (Non-Finnish) descent in gnomAD and is interpreted as uncertain in ClinVar (Variation ID: 837194). At this time, the clinical significance of this variant is uncertain due to the absence of conclusive functional and genetic evidence.

Quest Diagnostics Nichols Institute San Juan Capistrano
Classification: Uncertain significance. Last evaluated: 2025-01-29. Review status: criteria provided, single submitter. Criteria: Quest Diagnostics criteria. Collection method: clinical testing. Allele origin: unknown.
Comment: The FANCM c.5107C>G (p.His1703Asp) variant has been reported in individuals with breast cancer (PMID: 33471991 (2021), 36707629 (2023), see also LOVD), ovarian cancer (PMID: 28881617 (2017)), and stomach cancer (PMID: 26689913 (2015)). This variant has also been identified in reportedly healthy individuals (PMID: 33471991 (2021), 36707629 (2023), see also LOVD), 28881617 (2017), 29641532 (2018)). The frequency of this variant in the general population (Genome Aggregation Database) is uninformative in the assessment of its pathogenicity. Analysis of this variant using bioinformatics tools for the prediction of the effect of amino acid changes on protein structure and function yielded predictions that this variant is benign. Based on the available information, we are unable to determine the clinical significance of this variant.

GeneDx
Classification: Uncertain significance. Last evaluated: 2024-11-22. Review status: criteria provided, single submitter. Criteria: GeneDx Variant Classification Process June 2021. Collection method: clinical testing. Allele origin: germline. Affected: yes.
Comment: Not observed at significant frequency in large population cohorts (gnomAD); In silico analysis indicates that this missense variant does not alter protein structure/function; Not observed in any cancer cases, but observed in a control individual (PMID: 29641532); This variant is associated with the following publications: (PMID: 29641532)

Labcorp Genetics (formerly Invitae), Labcorp
Classification: Uncertain significance for Fanconi anemia. Last evaluated: 2024-10-10. Review status: criteria provided, single submitter. Criteria: Invitae Variant Classification Sherloc (09022015). Collection method: clinical testing. Allele origin: germline.
Comment: This sequence change replaces histidine, which is basic and polar, with aspartic acid, which is acidic and polar, at codon 1703 of the FANCM protein (p.His1703Asp). This variant is present in population databases (rs367653310, gnomAD 0.005%). This variant has not been reported in the literature in individuals affected with FANCM-related conditions. ClinVar contains an entry for this variant (Variation ID: 837194). An algorithm developed to predict the effect of missense changes on protein structure and function outputs the following: PolyPhen-2: "Benign". The aspartic acid amino acid residue is found in multiple mammalian species, which suggests that this missense change does not adversely affect protein function. In summary, the available evidence is currently insufficient to determine the role of this variant in disease. Therefore, it has been classified as a Variant of Uncertain Significance.

Fulgent Genetics
Classification: Uncertain significance for Spermatogenic failure 28; Premature ovarian failure 15. Last evaluated: 2022-01-05. Review status: criteria provided, single submitter. Criteria: ACMG Guidelines, 2015. Collection method: clinical testing. Allele origin: unknown.

Sema4
Classification: Uncertain significance for Hereditary cancer-predisposing syndrome. Last evaluated: 2021-07-22. Review status: criteria provided, single submitter. Criteria: Sema4 Curation Guidelines. Collection method: curation. Allele origin: germline.
Comment: The FANCM c.5107C>G (p.H1703D) variant has been reported in an individual from a non-cancer cohort (PMID 29641532). It was observed in 6/128990 chromosomes of the Non-Finnish European subpopulation, in the Genome Aggregation Database (PMID: 32461654). This variant has been reported in ClinVar (Variation ID 837194). Functional studies have not been performed and in silico predictions of the variant's effect on protein function are inconclusive. The overall evidence is insufficient to meet ACMG/AMP criteria for classifying it as benign or pathogenic. In summary, the clinical significance of this variant is currently uncertain

Genetic Services Laboratory, University of Chicago
Classification: Uncertain significance. Last evaluated: 2020-02-26. Review status: criteria provided, single submitter. Criteria: ACMG Guidelines, 2015. Collection method: clinical testing. Allele origin: germline. Affected: no.
Comment: DNA sequence analysis of the FANCM gene demonstrated a sequence change, c.5107C>G, in exon 20 that results in an amino acid change, p.His1703Asp. This sequence change does not appear to have been previously described in patients with FANCM-related disorders and has been described in the gnomAD database with a low frequency of 0.005% in the European sub-population (dbSNP rs367653310). The p.His1703Asp change affects a poorly conserved amino acid residue located in a domain of the FANCM protein that is not known to be functional. The p.His1703Asp substitution appears to be benign using several in-silico pathogenicity prediction tools (SIFT, PolyPhen2, Align GVGD, REVEL). Due to these the lack of functional studies, the clinical significance of the p.His1703Asp change remains unknown at this time.

Literature cited by the submitters: PubMed 33471991 (cited by Quest Diagnostics Nichols Institute San Juan Capistrano); PubMed 26689913 (cited by Quest Diagnostics Nichols Institute San Juan Capistrano); PubMed 28881617 (cited by Quest Diagnostics Nichols Institute San Juan Capistrano); PubMed 29641532 (cited by Quest Diagnostics Nichols Institute San Juan Capistrano and Sema4); PubMed 36707629 (cited by Quest Diagnostics Nichols Institute San Juan Capistrano).